The following is an entry in ClinVar:

ClinVar aggregate classification (germline): Uncertain significance (1 of 4 stars; one submission).

Submission:

GeneDx
Classification: Uncertain significance. Last evaluated: 2024-08-10. Review status: criteria provided, single submitter. Criteria: GeneDx Variant Classification Process June 2021. Collection method: clinical testing. Allele origin: germline. Affected: yes.
Comment: Not observed at significant frequency in large population cohorts (gnomAD); Nonsense variant predicted to result in protein truncation or nonsense mediated decay in a gene or region of a gene for which loss of function is not a well-established mechanism of disease; Has not been previously published as pathogenic or benign to our knowledge

NM_007192.4(SUPT16H):c.2686G>T (p.Gly896Ter)

Gene: SUPT16H (SPT16 homolog, facilitates chromatin remodeling subunit; minus strand). Cytogenetic location: 14q11.2.
Variant type: single nucleotide variant.
Coding change: c.2686G>T on transcript NM_007192.4 (MANE Select); coding-DNA position 2686, G replaced by T.
Protein change: p.Gly896Ter; replaces glycine 896 with a stop codon.
Molecular consequence: nonsense.
Genome position (GRCh38, 1-based): chr14:21,354,515, C>A on the plus strand (G>T on the coding strand, the complement: SUPT16H is on the minus strand). VCF-style: chr14-21354515-C-A. GRCh37 (hg19) VCF-style: chr14-21822674-C-A.
Other names: short protein forms G896*.
Identifiers: ClinVar variation 3602814 (VCV003602814.1).